The following is an entry in ClinVar:

NM_007327.4(GRIN1):c.545C>T (p.Thr182Met)

Gene: GRIN1 (glutamate ionotropic receptor NMDA type subunit 1; plus strand). Cytogenetic location: 9q34.3.
Variant type: single nucleotide variant.
Coding change: c.545C>T on transcript NM_007327.4 (MANE Select); coding-DNA position 545, C replaced by T.
Protein change: p.Thr182Met; replaces threonine 182 with methionine.
Molecular consequence: missense variant.
Genome position (GRCh38, 1-based): chr9:137,145,877, C>T. VCF-style: chr9-137145877-C-T. GRCh37 (hg19) VCF-style: chr9-140040329-C-T.
Other names: c.545C>T, p.Thr182Met (NM_000832.7, NM_001185090.2, NM_001185091.2 and 1 more transcripts); short protein forms T182M.
Identifiers: ClinVar variation 2053754 (VCV002053754.4), dbSNP rs1832500914, ClinGen allele CA375714155.

ClinVar aggregate classification (germline): Uncertain significance (1 of 4 stars; one submission).

Conditions:
Neurodevelopmental disorder with or without hyperkinetic movements and seizures, autosomal dominant. Also called: Intellectual disability, autosomal dominant 8. Identifiers: MedGen C3280282, MONDO:0013655, OMIM 614254.

Allele frequency attached by ClinVar (database versions not stated): gnomAD exomes below 0.00001.
gnomAD v4.1: 4 of 1,607,376 alleles (0.00025%); highest among the groups gnomAD compares: Non-Finnish European, 0.00034%; no homozygotes.

Submission:

Labcorp Genetics (formerly Invitae), Labcorp
Classification: Uncertain significance for Neurodevelopmental disorder with or without hyperkinetic movements and seizures, autosomal dominant. Last evaluated: 2022-10-19. Review status: criteria provided, single submitter. Criteria: Invitae Variant Classification Sherloc (09022015). Collection method: clinical testing. Allele origin: germline.
Comment: This sequence change replaces threonine, which is neutral and polar, with methionine, which is neutral and non-polar, at codon 182 of the GRIN1 protein (p.Thr182Met). This variant is not present in population databases (gnomAD no frequency). In summary, the available evidence is currently insufficient to determine the role of this variant in disease. Therefore, it has been classified as a Variant of Uncertain Significance. Advanced modeling of protein sequence and biophysical properties (such as structural, functional, and spatial information, amino acid conservation, physicochemical variation, residue mobility, and thermodynamic stability) has been performed at Invitae for this missense variant, however the output from this modeling did not meet the statistical confidence thresholds required to predict the impact of this variant on GRIN1 protein function. This variant has not been reported in the literature in individuals affected with GRIN1-related conditions.